The following is an entry in ClinVar:

ClinVar aggregate classification (germline): Uncertain significance (1 of 4 stars; one submission).

Conditions:
Hereditary cancer-predisposing syndrome. Also called: Neoplastic Syndromes, Hereditary; Tumor predisposition; Hereditary Cancer Syndrome; Hereditary neoplastic syndrome. Identifiers: Orphanet 140162, MedGen C0027672, MeSH D009386, MONDO:0015356.

Submission:

Ambry Genetics
Classification: Uncertain significance for Hereditary cancer-predisposing syndrome. Last evaluated: 2022-04-30. Review status: criteria provided, single submitter. Criteria: Ambry Variant Classification Scheme 2023. Collection method: clinical testing. Allele origin: germline.
Comment: The p.L304P variant (also known as c.911T>C), located in coding exon 3 of the ALK gene, results from a T to C substitution at nucleotide position 911. The leucine at codon 304 is replaced by proline, an amino acid with similar properties. This amino acid position is conserved. In addition, this alteration is predicted to be tolerated by in silico analysis. Since supporting evidence is limited at this time, the clinical significance of this alteration remains unclear.

NM_004304.5(ALK):c.911T>C (p.Leu304Pro)

Gene: ALK (ALK receptor tyrosine kinase; minus strand). Cytogenetic location: 2p23.2.
Variant type: single nucleotide variant.
Coding change: c.911T>C on transcript NM_004304.5 (MANE Select); coding-DNA position 911, T replaced by C.
Protein change: p.Leu304Pro; replaces leucine 304 with proline.
Molecular consequence: missense variant.
Genome position (GRCh38, 1-based): chr2:29,694,891, A>G on the plus strand (T>C on the coding strand, the complement: ALK is on the minus strand). VCF-style: chr2-29694891-A-G. GRCh37 (hg19) VCF-style: chr2-29917757-A-G.
Other names: short protein forms L304P.
Identifiers: ClinVar variation 1765882 (VCV001765882.2), dbSNP rs2148289694, ClinGen allele CA346586885.
Genomic context (GRCh38, chr2:29,694,891, plus strand): 5'-CCAGCAGCCTCTCCCTTACCTCTGGGCATCTCCTTAGAACGCTCTGCCCCAGGCCCATCC[A>G]GCAAGTCCATCTGGGAGGCCTCCTCGGAGGGGATGCGGCGCCAGGACCAGCTCTGGTTCC-3'
Protein context (NP_004295.2, residues 294-314): PSEEASQMDL[Leu304Pro]DGPGAERSKE